The following is an entry in ClinVar:

NC_000008.10:g.(?_38117538)_(38961219_?)dup

Genes: ADAM9 (ADAM metallopeptidase domain 9; plus strand), DDHD2 (DDHD domain containing 2; plus strand), FGFR1 (fibroblast growth factor receptor 1; minus strand), HTRA4 (HtrA serine peptidase 4; plus strand), LETM2 (leucine zipper and EF-hand containing transmembrane protein 2; plus strand) and 6 more. Cytogenetic location: 8p11.23-11.22.
Variant type: Duplication.
Identifiers: ClinVar variation 2426105 (VCV002426105.4).

ClinVar aggregate classification (germline): Uncertain significance (1 of 4 stars; one submission).

Conditions:
Hereditary spastic paraplegia 54. Also called: Spastic paraplegia 54, autosomal recessive. Identifiers: Orphanet 320380, MedGen C3539495, MONDO:0014018, OMIM 615033.

Submission:

Labcorp Genetics (formerly Invitae), Labcorp
Classification: Uncertain significance for Hereditary spastic paraplegia 54. Last evaluated: 2022-03-12. Review status: criteria provided, single submitter. Criteria: Invitae Variant Classification Sherloc (09022015). Collection method: clinical testing. Allele origin: germline.
Comment: In summary, the available evidence is currently insufficient to determine the role of this variant in disease. Therefore, it has been classified as a Variant of Uncertain Significance. Experimental studies and prediction algorithms are not available or were not evaluated, and the functional significance of this variant is currently unknown. This variant has not been reported in the literature in individuals affected with DDHD2-related conditions. This variant results in a copy number gain of the genomic region encompassing exon(s) 17-18 of the DDHD2 gene. This region includes the termination codon of the gene. This copy number gain extends beyond the assayed region for this gene and therefore may encompass additional genes. As the precise location of this event is unknown, it may be in tandem or it may be located elsewhere in the genome.